The following is an entry in ClinVar:

ClinVar aggregate classification (germline): Likely benign (1 of 4 stars; one submission).

Allele frequency attached by ClinVar (database versions not stated): TOPMed 0.00014; gnomAD 0.00021; ExAC 0.00050; 1000 Genomes Project 30x 0.00156; 1000 Genomes Project 0.00200.
gnomAD v4.1: 455 of 1,613,600 alleles (0.028%); highest among the groups gnomAD compares: South Asian, 0.37%; 4 homozygotes.

Submission:

CeGaT Center for Human Genetics Tuebingen
Classification: Likely benign. Last evaluated: 2022-11-01. Review status: criteria provided, single submitter. Criteria: CeGaT Center For Human Genetics Tuebingen Variant Classification Criteria Version 2. Collection method: clinical testing. Allele origin: germline. Affected: yes. Observed: 1 variant allele.
Comment: GTSE1: BP4, BP7

NM_016426.7(GTSE1):c.1233G>A (p.Thr411=)

Gene: GTSE1 (G2 and S-phase expressed 1; plus strand). Cytogenetic location: 22q13.31.
Variant type: single nucleotide variant.
Coding change: c.1233G>A on transcript NM_016426.7 (MANE Select); coding-DNA position 1233, G replaced by A.
Protein change: p.Thr411=; no amino-acid change (threonine 411 retained).
Molecular consequence: synonymous variant.
Genome position (GRCh38, 1-based): chr22:46,316,213, G>A. VCF-style: chr22-46316213-G-A. GRCh37 (hg19) VCF-style: chr22-46712110-G-A.
Identifiers: ClinVar variation 2653304 (VCV002653304.24), dbSNP rs573781773, ClinGen allele CA10291547.